The following is an entry in ClinVar:

NM_016169.4(SUFU):c.979A>G (p.Ile327Val)

Gene: SUFU (SUFU negative regulator of hedgehog signaling; plus strand). Cytogenetic location: 10q24.32.
Variant type: single nucleotide variant.
Coding change: c.979A>G on transcript NM_016169.4 (MANE Select); coding-DNA position 979, A replaced by G.
Protein change: p.Ile327Val; replaces isoleucine 327 with valine.
Molecular consequence: missense variant.
Genome position (GRCh38, 1-based): chr10:102,599,501, A>G. VCF-style: chr10-102599501-A-G. GRCh37 (hg19) VCF-style: chr10-104359258-A-G.
Other names: c.979A>G, p.Ile327Val (NM_001178133.2); short protein forms I327V.
Identifiers: ClinVar variation 640398 (VCV000640398.17), dbSNP rs752846043, ClinGen allele CA5667828.

ClinVar aggregate classification (germline): Conflicting classifications of pathogenicity. Review status: criteria provided, conflicting classifications (1 of 4 stars). 4 submissions from 4 submitters: Uncertain significance (3); Likely benign (1). Last evaluated 2025-11-05.

Conditions:
Gorlin syndrome. Also called: Basal cell nevus syndrome; Nevoid Basal Cell Carcinoma Syndrome. Identifiers: Orphanet 377, MedGen C0004779, MONDO:0007187.
Medulloblastoma (MDB). Also called: MEDULLOBLASTOMA PREDISPOSITION SYNDROME; Medulloblastoma, somatic. Identifiers: Orphanet 616, MedGen C0025149, MeSH D008527, MONDO:0007959, OMIM 155255, HP:0002885.
Hereditary cancer-predisposing syndrome. Also called: Neoplastic Syndromes, Hereditary; Hereditary Cancer Syndrome; Hereditary neoplastic syndrome; Tumor predisposition. Identifiers: Orphanet 140162, MedGen C0027672, MeSH D009386, MONDO:0015356.
Familial meningioma. Also called: Meningioma, familial, susceptibility to. Identifiers: Orphanet 263662, MedGen C3551915, MONDO:0011789, OMIM 607174.

Allele frequency attached by ClinVar (database versions not stated): TOPMed below 0.00001; gnomAD 0.00001; gnomAD exomes 0.00004; ExAC 0.00006.
gnomAD v4.1: 30 of 1,614,020 alleles (0.0019%); highest among the groups gnomAD compares: East Asian, 0.0045%; no homozygotes.

Submissions (4):

Labcorp Genetics (formerly Invitae), Labcorp
Classification: Uncertain significance for Gorlin syndrome; Medulloblastoma. Last evaluated: 2025-11-05. Review status: criteria provided, single submitter. Criteria: Invitae Variant Classification Sherloc (09022015). Collection method: clinical testing. Allele origin: germline.
Comment: This sequence change replaces isoleucine, which is neutral and non-polar, with valine, which is neutral and non-polar, at codon 327 of the SUFU protein (p.Ile327Val). This variant is present in population databases (rs752846043, gnomAD 0.007%). This variant has not been reported in the literature in individuals affected with SUFU-related conditions. ClinVar contains an entry for this variant (Variation ID: 640398). Invitae Evidence Modeling of protein sequence and biophysical properties (such as structural, functional, and spatial information, amino acid conservation, physicochemical variation, residue mobility, and thermodynamic stability) indicates that this missense variant is not expected to disrupt SUFU protein function with a negative predictive value of 80%. In summary, the available evidence is currently insufficient to determine the role of this variant in disease. Therefore, it has been classified as a Variant of Uncertain Significance.

Baylor Genetics
Classification: Uncertain significance for Familial meningioma. Last evaluated: 2024-03-27. Review status: criteria provided, single submitter. Criteria: ACMG Guidelines, 2015. Collection method: clinical testing. Allele origin: unknown.

Ambry Genetics
Classification: Likely benign for Hereditary cancer-predisposing syndrome. Last evaluated: 2021-12-09. Review status: criteria provided, single submitter. Criteria: Ambry Variant Classification Scheme 2023. Collection method: clinical testing. Allele origin: germline.

Institute for Clinical Genetics, University Hospital TU Dresden, University Hospital TU Dresden
Classification: Uncertain significance. Last evaluated: 2021-11-03. Review status: criteria provided, single submitter. Criteria: ACMG Guidelines, 2015. Collection method: clinical testing. Allele origin: germline.

Literature cited by the submitters: PubMed 27930734 (cited by Ambry Genetics).